The following is an entry in ClinVar:

NM_001291415.2(KDM6A):c.147C>T (p.Leu49=)

Genes: KDM6A (lysine demethylase 6A; plus strand), LOC130068183 (ATAC-STARR-seq lymphoblastoid silent region 20785; plus strand). Cytogenetic location: Xp11.3.
Variant type: single nucleotide variant.
Coding change: c.147C>T on transcript NM_001291415.2 (MANE Select); coding-DNA position 147, C replaced by T.
Protein change: p.Leu49=; no amino-acid change (leucine 49 retained).
Molecular consequence: synonymous variant. On other transcripts: 5 prime UTR variant (1), non-coding transcript variant (1).
Genome position (GRCh38, 1-based): chrX:44,873,698, C>T. VCF-style: chrX-44873698-C-T. GRCh37 (hg19) VCF-style: chrX-44732944-C-T.
Other names: c.147C>T, p.Leu49= (NM_001291416.2, NM_001291417.2, NM_001291418.2 and 2 more transcripts); c.-486C>T (NM_001291421.2).
Identifiers: ClinVar variation 2037682 (VCV002037682.8), dbSNP rs766103037, ClinGen allele CA10392105.

ClinVar aggregate classification (germline): Benign/Likely benign. Review status: criteria provided, multiple submitters, no conflicts (2 of 4 stars). 2 submissions from 2 submitters: Benign (1); Likely benign (1). Last evaluated 2026-02-01.

Conditions:
Kabuki syndrome 2 (KABUK2). Also called: KDM6A-Related Kabuki Syndrome. Identifiers: Orphanet 2322, MedGen C3275495, MONDO:0010465, OMIM 300867.

Allele frequency attached by ClinVar (database versions not stated): gnomAD 0.00001; TOPMed 0.00001; gnomAD exomes 0.00003; ExAC 0.00008.
gnomAD v4.1: 34 of 1,171,249 alleles (0.0029%); highest among the groups gnomAD compares: South Asian, 0.0038%; no homozygotes.

Submissions (2):

CeGaT Center for Human Genetics Tuebingen
Classification: Likely benign. Last evaluated: 2026-02-01. Review status: criteria provided, single submitter. Criteria: CeGaT Center For Human Genetics Tuebingen Variant Classification Criteria Version 2. Collection method: clinical testing. Allele origin: germline. Affected: yes. Observed: 1 variant allele.
Comment: KDM6A: BP4, BP7, BS2

Labcorp Genetics (formerly Invitae), Labcorp
Classification: Benign for Kabuki syndrome 2. Last evaluated: 2024-09-23. Review status: criteria provided, single submitter. Criteria: Invitae Variant Classification Sherloc (09022015). Collection method: clinical testing. Allele origin: germline.